The following is an entry in ClinVar:

NM_005188.4(CBL):c.314A>C (p.Lys105Thr)

Gene: CBL (Cbl proto-oncogene; plus strand). Cytogenetic location: 11q23.3.
Variant type: single nucleotide variant.
Coding change: c.314A>C on transcript NM_005188.4 (MANE Select); coding-DNA position 314, A replaced by C.
Protein change: p.Lys105Thr; replaces lysine 105 with threonine.
Molecular consequence: missense variant.
Genome position (GRCh38, 1-based): chr11:119,232,566, A>C. VCF-style: chr11-119232566-A-C. GRCh37 (hg19) VCF-style: chr11-119103276-A-C.
Other names: short protein forms K105T.
Identifiers: ClinVar variation 3634374 (VCV003634374.2).

ClinVar aggregate classification (germline): Uncertain significance (1 of 4 stars; one submission).

Conditions:
RASopathy. Also called: rasopathies; Noonan spectrum disorder. Identifiers: Orphanet 536391, MedGen C5555857, MONDO:0021060.

Submission:

Labcorp Genetics (formerly Invitae), Labcorp
Classification: Uncertain significance for RASopathy. Last evaluated: 2024-02-17. Review status: criteria provided, single submitter. Criteria: Invitae Variant Classification Sherloc (09022015). Collection method: clinical testing. Allele origin: germline.
Comment: This sequence change replaces lysine, which is basic and polar, with threonine, which is neutral and polar, at codon 105 of the CBL protein (p.Lys105Thr). This variant is not present in population databases (gnomAD no frequency). This variant has not been reported in the literature in individuals affected with CBL-related conditions. Advanced modeling of protein sequence and biophysical properties (such as structural, functional, and spatial information, amino acid conservation, physicochemical variation, residue mobility, and thermodynamic stability) has been performed at Invitae for this missense variant, however the output from this modeling did not meet the statistical confidence thresholds required to predict the impact of this variant on CBL protein function. In summary, the available evidence is currently insufficient to determine the role of this variant in disease. Therefore, it has been classified as a Variant of Uncertain Significance.